The following is an entry in ClinVar:

NM_000038.6(APC):c.1633G>A (p.Ala545Thr)

Gene: APC (APC regulator of Wnt signaling pathway; plus strand). Cytogenetic location: 5q22.2.
Variant type: single nucleotide variant.
Coding change: c.1633G>A on transcript NM_000038.6 (MANE Select); coding-DNA position 1633, G replaced by A.
Protein change: p.Ala545Thr; replaces alanine 545 with threonine.
Molecular consequence: missense variant.
Genome position (GRCh38, 1-based): chr5:112,828,862, G>A. VCF-style: chr5-112828862-G-A. GRCh37 (hg19) VCF-style: chr5-112164559-G-A.
Other names: c.1633G>A, p.Ala545Thr (NM_001127510.3, NM_001354895.2); c.1579G>A, p.Ala527Thr (NM_001127511.3); c.1687G>A, p.Ala563Thr (NM_001354896.2); c.1663G>A, p.Ala555Thr (NM_001354897.2); c.1558G>A, p.Ala520Thr (NM_001354898.2); c.1549G>A, p.Ala517Thr (NM_001354899.2); c.1510G>A, p.Ala504Thr (NM_001354900.2); c.1456G>A, p.Ala486Thr (NM_001354901.2); and 5 more; short protein forms A419T, A444T, A454T, A486T, A262T, A385T, A520T, A504T.
Identifiers: ClinVar variation 1465425 (VCV001465425.6), dbSNP rs2149816889, ClinGen allele CA16024874.

ClinVar aggregate classification (germline): Uncertain significance (1 of 4 stars; one submission).

Conditions:
Familial adenomatous polyposis 1 (FAP1). Also called: FAMILIAL ADENOMATOUS POLYPOSIS 1, ATTENUATED; POLYPOSIS, ADENOMATOUS INTESTINAL. Identifiers: MedGen C2713442, MONDO:0021056, OMIM 175100. Disease mechanism: loss of function.

Submission:

Labcorp Genetics (formerly Invitae), Labcorp
Classification: Uncertain significance for Familial adenomatous polyposis 1. Last evaluated: 2021-09-18. Review status: criteria provided, single submitter. Criteria: Invitae Variant Classification Sherloc (09022015). Collection method: clinical testing. Allele origin: germline.
Comment: This variant is not present in population databases (ExAC no frequency). In summary, the available evidence is currently insufficient to determine the role of this variant in disease. Therefore, it has been classified as a Variant of Uncertain Significance. Algorithms developed to predict the effect of missense changes on protein structure and function (SIFT, PolyPhen-2, Align-GVGD) all suggest that this variant is likely to be disruptive. This variant has not been reported in the literature in individuals affected with APC-related conditions. This sequence change replaces alanine with threonine at codon 545 of the APC protein (p.Ala545Thr). The alanine residue is highly conserved and there is a small physicochemical difference between alanine and threonine.